The following is an entry in ClinVar:

NM_000263.4(NAGLU):c.95T>C (p.Val32Ala)

Genes: NAGLU (N-acetyl-alpha-glucosaminidase; plus strand), LOC130060903 (ATAC-STARR-seq lymphoblastoid silent region 8533; plus strand). Cytogenetic location: 17q21.2.
Variant type: single nucleotide variant.
Coding change: c.95T>C on transcript NM_000263.4 (MANE Select); coding-DNA position 95, T replaced by C.
Protein change: p.Val32Ala; replaces valine 32 with alanine.
Molecular consequence: missense variant.
Genome position (GRCh38, 1-based): chr17:42,536,367, T>C. VCF-style: chr17-42536367-T-C. GRCh37 (hg19) VCF-style: chr17-40688385-T-C.
Other names: p.Val32Ala; short protein forms V32A.
Identifiers: ClinVar variation 2627733 (VCV002627733.2), dbSNP rs2510649807, ClinGen allele CA399595302.

ClinVar aggregate classification (germline): Uncertain significance (1 of 4 stars; one submission).

Conditions:
Mucopolysaccharidosis, MPS-III-B (MPS3B). Also called: N-ACETYL-ALPHA-D-GLUCOSAMINIDASE DEFICIENCY; NAGLU DEFICIENCY; SANFILIPPO SYNDROME B; MPS III B; Mucopolysaccharidosis type IIIB (Sanfilippo B); MUCOPOLYSACCHARIDOSIS, TYPE IIIB. Identifiers: Orphanet 79270, MedGen C0086648, MONDO:0009656, OMIM 252920.

Submission:

Foundation for Research in Genetics and Endocrinology, FRIGE's Institute of Human Genetics
Classification: Uncertain significance for Mucopolysaccharidosis, MPS-III-B. Last evaluated: 2023-10-27. Review status: criteria provided, single submitter. Criteria: ACMG Guidelines, 2015. Collection method: clinical testing. Allele origin: germline. Inheritance: Autosomal recessive inheritance. Affected: yes. Observed: 1 compound heterozygote.
Comment: A heterozygous variation in exon 1 of the NAGLU gene that results in the amino acid substitution of Alanine for Valine at codon 32 was detected. The observed variant c.95T>C (p.Val32Ala) has not been reported in the 1000 genomes and gnomAD databases. The in silico prediction of the variant is disease causing by MutationTaster, FATHMM, DANN, MetaLR and PrimateAI. In summary, the variant meets our criteria to be classified as a variant of uncertain significance.